The following is an entry in ClinVar:

NM_014045.5(LRP10):c.1138C>T (p.Arg380Cys)

Gene: LRP10 (LDL receptor related protein 10; plus strand). Cytogenetic location: 14q11.2.
Variant type: single nucleotide variant.
Coding change: c.1138C>T on transcript NM_014045.5 (MANE Select); coding-DNA position 1138, C replaced by T.
Protein change: p.Arg380Cys; replaces arginine 380 with cysteine.
Molecular consequence: missense variant.
Genome position (GRCh38, 1-based): chr14:22,876,086, C>T. VCF-style: chr14-22876086-C-T. GRCh37 (hg19) VCF-style: chr14-23345295-C-T.
Other names: c.1138C>T, p.Arg380Cys (NM_001329226.2); short protein forms R380C.
Identifiers: ClinVar variation 2644081 (VCV002644081.24), dbSNP rs771111950, ClinGen allele CA7105861.

ClinVar aggregate classification (germline): Uncertain significance (1 of 4 stars; one submission).

Allele frequency attached by ClinVar (database versions not stated): TOPMed below 0.00001; gnomAD exomes 0.00001; ExAC 0.00003.

Submission:

CeGaT Center for Human Genetics Tuebingen
Classification: Uncertain significance. Last evaluated: 2022-11-01. Review status: criteria provided, single submitter. Criteria: CeGaT Center For Human Genetics Tuebingen Variant Classification Criteria Version 2. Collection method: clinical testing. Allele origin: germline. Affected: yes. Observed: 1 variant allele.
Comment: LRP10: PP3